The following is an entry in ClinVar:

ClinVar aggregate classification (germline): Conflicting classifications of pathogenicity. Review status: criteria provided, conflicting classifications (1 of 4 stars). 7 submissions from 7 submitters: Uncertain significance (5); Likely benign (1). 1 of the submissions does not count toward it. Last evaluated 2026-02-20.

Conditions:
Hereditary cancer-predisposing syndrome. Also called: Tumor predisposition; Hereditary neoplastic syndrome; Neoplastic Syndromes, Hereditary; Hereditary Cancer Syndrome. Identifiers: Orphanet 140162, MedGen C0027672, MeSH D009386, MONDO:0015356.
Hyperparathyroidism 1 (HRPT1). Also called: HYPERPARATHYROIDISM, FAMILIAL ISOLATED PRIMARY. Identifiers: Orphanet 99879, MedGen C1840402, MONDO:0007767, OMIM 145000.
Hyperparathyroidism 2 with jaw tumors. Also called: Hyperparathyroidism-Jaw Tumor Syndrome; Hyperparathyroidism 2; HYPERPARATHYROIDISM, FAMILIAL PRIMARY, WITH MULTIPLE OSSIFYING JAW FIBROMAS; HYPERPARATHYROIDISM-JAW TUMOR SYNDROME, HEREDITARY. Identifiers: Orphanet 99880, MedGen C1704981, MONDO:0007768, OMIM 145001.
Parathyroid carcinoma (PRTC). Also called: CDC73-Related Parathyroid Carcinoma; Parathyroid gland carcinoma. Identifiers: Orphanet 143, MedGen C0687150, MONDO:0012004, OMIM 608266, HP:0006780.

Allele frequency attached by ClinVar (database versions not stated): TOPMed below 0.00001; gnomAD 0.00001; gnomAD exomes 0.00001 and 0.00002.
gnomAD v4.1: 8 of 1,561,038 alleles (0.00051%); highest among the groups gnomAD compares: Admixed American, 0.013%; no homozygotes.

Submissions (7):

St. Jude Molecular Pathology, St. Jude Children's Research Hospital
Classification: Uncertain significance for Hyperparathyroidism 2 with jaw tumors. Last evaluated: 2026-02-20. Review status: criteria provided, single submitter. Criteria: St. Jude Assertion Criteria 2020. Collection method: clinical testing. Allele origin: germline.
Comment: The CDC73 c.1149C>A p.(Asp383Glu) missense change has a maximum subpopulation frequency of 0.012% in gnomAD v2.1.1. The in silico tool REVEL predicts a benign effect on protein function, but to our knowledge this prediction has not been confirmed by functional studies. This variant occurs in a gene where missense variants are more likely to be d amaging based on methods described by Lek et al. (PMID: 27535533). To our knowledge, this variant has not been reported in individuals with hyperparathyroidism-jaw tumor syndrome. In summary, the evidence currently available is insufficient to determine the clinical significance of this variant. It has therefore been classified as of uncertain significance.

Labcorp Genetics (formerly Invitae), Labcorp
Classification: Uncertain significance for Parathyroid carcinoma. Last evaluated: 2025-11-02. Review status: criteria provided, single submitter. Criteria: Invitae Variant Classification Sherloc (09022015). Collection method: clinical testing. Allele origin: germline.
Comment: This sequence change replaces aspartic acid, which is acidic and polar, with glutamic acid, which is acidic and polar, at codon 383 of the CDC73 protein (p.Asp383Glu). This variant is present in population databases (rs587778167, gnomAD 0.01%). This variant has not been reported in the literature in individuals affected with CDC73-related conditions. ClinVar contains an entry for this variant (Variation ID: 133841). Invitae Evidence Modeling of protein sequence and biophysical properties (such as structural, functional, and spatial information, amino acid conservation, physicochemical variation, residue mobility, and thermodynamic stability) indicates that this missense variant is not expected to disrupt CDC73 protein function with a negative predictive value of 80%. In summary, the available evidence is currently insufficient to determine the role of this variant in disease. Therefore, it has been classified as a Variant of Uncertain Significance.

Ambry Genetics
Classification: Likely benign for Hereditary cancer-predisposing syndrome. Last evaluated: 2024-04-08. Review status: criteria provided, single submitter. Criteria: Ambry Variant Classification Scheme 2023. Collection method: clinical testing. Allele origin: germline.

GeneDx
Classification: Uncertain significance. Last evaluated: 2024-02-20. Review status: criteria provided, single submitter. Criteria: GeneDx Variant Classification Process June 2021. Collection method: clinical testing. Allele origin: germline. Affected: yes.
Comment: Not observed at significant frequency in large population cohorts (gnomAD); In silico analysis supports that this missense variant does not alter protein structure/function; Has not been previously published as pathogenic or benign to our knowledge; This variant is associated with the following publications: (PMID: 24728327)

Baylor Genetics
Classification: Uncertain significance for Hyperparathyroidism 1. Last evaluated: 2024-02-18. Review status: criteria provided, single submitter. Criteria: ACMG Guidelines, 2015. Collection method: clinical testing. Allele origin: unknown.

Fulgent Genetics
Classification: Uncertain significance for Hyperparathyroidism 1; Hyperparathyroidism 2 with jaw tumors; Parathyroid carcinoma. Last evaluated: 2024-02-15. Review status: criteria provided, single submitter. Criteria: ACMG Guidelines, 2015. Collection method: clinical testing. Allele origin: germline.

ITMI
No classification provided. Condition: AllHighlyPenetrant. Last evaluated: 2013-09-19. Review status: no classification provided. Collection method: reference population. Allele origin: germline. Not counted in ClinVar's aggregate classification.
Comment: Please see associated publication for description of ethnicities

Literature cited by the submitters: PubMed 24728327 (cited by Ambry Genetics and ITMI).

NM_024529.5(CDC73):c.1149C>A (p.Asp383Glu)

Gene: CDC73 (cell division cycle 73; plus strand). Cytogenetic location: 1q31.2.
Variant type: single nucleotide variant.
Coding change: c.1149C>A on transcript NM_024529.5 (MANE Select); coding-DNA position 1149, C replaced by A.
Protein change: p.Asp383Glu; replaces aspartic acid 383 with glutamic acid.
Molecular consequence: missense variant.
Genome position (GRCh38, 1-based): chr1:193,212,472, C>A. VCF-style: chr1-193212472-C-A. GRCh37 (hg19) VCF-style: chr1-193181602-C-A.
Other names: short protein forms D383E.
Identifiers: ClinVar variation 133841 (VCV000133841.17), dbSNP rs587778167, ClinGen allele CA157936.